The following is an entry in ClinVar:

ClinVar aggregate classification (germline): Likely pathogenic (1 of 4 stars; one submission).

Conditions:
Rod-cone dystrophy. Identifiers: MedGen C4551714, HP:0000510.

Submission:

Ocular Genomics Institute, Massachusetts Eye and Ear
Classification: Likely pathogenic for Rod-cone dystrophy. Last evaluated: 2021-04-08. Review status: criteria provided, single submitter. Criteria: ACMG Guidelines, 2015. Collection method: research. Allele origin: germline. Affected: yes.
Comment: Through a review of available evidence we were able to apply the following criteria: PM1, PM2, PP3, PP1. Based on this evidence we have classified this variant as Likely Pathogenic.

NM_019892.6(INPP5E):c.[1787G>C;746C>T]

Variant type: Haplotype.
Identifiers: ClinVar variation 1065696 (VCV001065696.1).